The following is an entry in ClinVar:

ClinVar aggregate classification (germline): Uncertain significance (1 of 4 stars; one submission).

Conditions:
X-linked immunodeficiency with magnesium defect, Epstein-Barr virus infection and neoplasia. Identifiers: Orphanet 317476, MedGen C3275445, MONDO:0010455, OMIM 300853.

Submission:

Labcorp Genetics (formerly Invitae), Labcorp
Classification: Uncertain significance for X-linked immunodeficiency with magnesium defect, Epstein-Barr virus infection and neoplasia. Last evaluated: 2023-10-28. Review status: criteria provided, single submitter. Criteria: Invitae Variant Classification Sherloc (09022015). Collection method: clinical testing. Allele origin: germline.
Comment: This sequence change replaces asparagine, which is neutral and polar, with isoleucine, which is neutral and non-polar, at codon 32 of the MAGT1 protein (p.Asn32Ile). This variant is not present in population databases (gnomAD no frequency). This variant has not been reported in the literature in individuals affected with MAGT1-related conditions. An algorithm developed to predict the effect of missense changes on protein structure and function (PolyPhen-2) suggests that this variant is likely to be tolerated. In summary, the available evidence is currently insufficient to determine the role of this variant in disease. Therefore, it has been classified as a Variant of Uncertain Significance.

NM_001367916.1(MAGT1):c.-2A>T

Genes: MAGT1 (magnesium transporter 1; minus strand), LOC130068460 (ATAC-STARR-seq lymphoblastoid active region 29781; plus strand). Cytogenetic location: Xq21.1.
Variant type: single nucleotide variant.
Coding change: c.-2A>T on transcript NM_001367916.1 (MANE Select); 2 bases upstream of the start codon, A replaced by T.
Molecular consequence: 5 prime UTR variant. On other transcripts: missense variant (1).
Genome position (GRCh38, 1-based): chrX:77,895,412, T>A on the plus strand (A>T on the coding strand, the complement: MAGT1 is on the minus strand). VCF-style: chrX-77895412-T-A. GRCh37 (hg19) VCF-style: chrX-77150909-T-A.
Other names: c.95A>T, p.Asn32Ile (NM_032121.5); short protein forms N32I.
Identifiers: ClinVar variation 2772537 (VCV002772537.3), dbSNP rs2522051296, ClinGen allele CA413714371.
Genomic context (GRCh38, chrX:77,895,412, plus strand): 5'-ATGAGCAGCGCCACCACCATGGTCACAGAGACACACCAAAACCGCCAACGCGCTGCCATG[T>A]TCGCTCCTCTCCCTTCTATAAGTGAAACTTTGCTCCGGCTAGGTCTGAGGGTGGGGCGTG-3'